The following is an entry in ClinVar:

NM_014588.6(VSX1):c.328C>T (p.Pro110Ser)

Gene: VSX1 (visual system homeobox 1; minus strand). Cytogenetic location: 20p11.21.
Variant type: single nucleotide variant.
Coding change: c.328C>T on transcript NM_014588.6 (MANE Select); coding-DNA position 328, C replaced by T.
Protein change: p.Pro110Ser; replaces proline 110 with serine.
Molecular consequence: missense variant. On other transcripts: non-coding transcript variant (2).
Genome position (GRCh38, 1-based): chr20:25,081,769, G>A on the plus strand (C>T on the coding strand, the complement: VSX1 is on the minus strand). VCF-style: chr20-25081769-G-A. GRCh37 (hg19) VCF-style: chr20-25062405-G-A.
Other names: c.328C>T, p.Pro110Ser (NM_001256271.2, NM_001256272.2, NM_199425.3); short protein forms P110S.
Identifiers: ClinVar variation 4199648 (VCV004199648.2).

ClinVar aggregate classification (germline): Uncertain significance. Review status: criteria provided, multiple submitters, no conflicts (2 of 4 stars). 2 submissions from 2 submitters: Uncertain significance (2). Last evaluated 2026-01-24.

Conditions:
Inborn genetic diseases. Identifiers: MedGen C0950123, MeSH D030342.

Submissions (2):

Labcorp Genetics (formerly Invitae), Labcorp
Classification: Uncertain significance. Last evaluated: 2026-01-24. Review status: criteria provided, single submitter. Criteria: Invitae Variant Classification Sherloc (09022015). Collection method: clinical testing. Allele origin: germline.
Comment: This sequence change replaces proline, which is neutral and non-polar, with serine, which is neutral and polar, at codon 110 of the VSX1 protein (p.Pro110Ser). This variant is present in population databases (no rsID available, gnomAD 0.02%). This variant has not been reported in the literature in individuals affected with VSX1-related conditions. ClinVar contains an entry for this variant (Variation ID: 4199648). Invitae Evidence Modeling of protein sequence and biophysical properties (such as structural, functional, and spatial information, amino acid conservation, physicochemical variation, residue mobility, and thermodynamic stability) indicates that this missense variant is not expected to disrupt VSX1 protein function with a negative predictive value of 80%. In summary, the available evidence is currently insufficient to determine the role of this variant in disease. Therefore, it has been classified as a Variant of Uncertain Significance.

Ambry Genetics
Classification: Uncertain significance for Inborn genetic diseases. Last evaluated: 2025-08-25. Review status: criteria provided, single submitter. Criteria: Ambry Variant Classification Scheme 2023. Collection method: clinical testing. Allele origin: germline.